The following is an entry in ClinVar:

ClinVar aggregate classification (germline): Likely benign (1 of 4 stars; one submission).

Allele frequency attached by ClinVar (database versions not stated): gnomAD 0.00441 and 0.00477; 1000 Genomes Project 0.00459; TOPMed 0.00491; 1000 Genomes Project 30x 0.00547.
gnomAD v4.1: 664 of 152,076 alleles (0.44%); highest among the groups gnomAD compares: African/African-American, 1.5%; 8 homozygotes.

Submission:

GeneDx
Classification: Likely benign. Last evaluated: 2018-06-16. Review status: criteria provided, single submitter. Criteria: GeneDx Variant Classification (06012015). Collection method: clinical testing. Allele origin: germline. Affected: yes.
Comment: This variant is considered likely benign or benign based on one or more of the following criteria: it is a conservative change, it occurs at a poorly conserved position in the protein, it is predicted to be benign by multiple in silico algorithms, and/or has population frequency not consistent with disease.

NM_003640.5(ELP1):c.552+215G>A

Gene: ELP1 (elongator acetyltransferase complex subunit 1; minus strand). Cytogenetic location: 9q31.3.
Variant type: single nucleotide variant.
Coding change: c.552+215G>A on transcript NM_003640.5 (MANE Select); 215 bases into the intron after coding-DNA position 552, G replaced by A.
Molecular consequence: intron variant.
Genome position (GRCh38, 1-based): chr9:108,922,627, C>T on the plus strand (G>A on the coding strand, the complement: ELP1 is on the minus strand). VCF-style: chr9-108922627-C-T. GRCh37 (hg19) VCF-style: chr9-111684907-C-T.
Other names: c.210+215G>A (NM_001318360.2); c.-308+215G>A (NM_001330749.2).
Identifiers: ClinVar variation 679810 (VCV000679810.1), dbSNP rs142701683, ClinGen allele CA197525158.
Genomic context (GRCh38, chr9:108,922,627, plus strand): 5'-CCTTTGTCTGTGATGTTTTATTTTTTAAACTGGGTGATGAATATTGGTTATAATTATTTG[C>T]TACTATGAAAATAAATCACAAAGCAACTTGGCAATAACAAGGAAAAAAAGGATCTTTCTA-3'